The following is an entry in ClinVar:

NM_000243.3(MEFV):c.908C>T (p.Thr303Ile)

Gene: MEFV (MEFV innate immunity regulator, pyrin; minus strand). Cytogenetic location: 16p13.3.
Variant type: single nucleotide variant.
Coding change: c.908C>T on transcript NM_000243.3 (MANE Select); coding-DNA position 908, C replaced by T.
Protein change: p.Thr303Ile; replaces threonine 303 with isoleucine.
Molecular consequence: missense variant. On other transcripts: intron variant (1).
Genome position (GRCh38, 1-based): chr16:3,254,160, G>A on the plus strand (C>T on the coding strand, the complement: MEFV is on the minus strand). VCF-style: chr16-3254160-G-A. GRCh37 (hg19) VCF-style: chr16-3304160-G-A.
Other names: c.277+2151C>T (NM_001198536.2); short protein forms T303I.
Identifiers: ClinVar variation 2066748 (VCV002066748.4), dbSNP rs1270033927, ClinGen allele CA394476318.

ClinVar aggregate classification (germline): Uncertain significance (1 of 4 stars; one submission).

Conditions:
Familial Mediterranean fever (FMF). Also called: POLYSEROSITIS, FAMILIAL PAROXYSMAL; POLYSEROSITIS, RECURRENT; Periodic peritonitis; Benign paroxysmal peritonitis. Identifiers: Orphanet 342, MedGen C0031069, MONDO:0018088, OMIM 249100. Disease mechanism: gain of function.

Allele frequency attached by ClinVar (database versions not stated): gnomAD exomes below 0.00001.
gnomAD v4.1: 1 of 1,614,060 alleles (0.000062%); highest among the groups gnomAD compares: Admixed American, 0.0017%; no homozygotes.

Submission:

Labcorp Genetics (formerly Invitae), Labcorp
Classification: Uncertain significance for Familial Mediterranean fever. Last evaluated: 2022-08-08. Review status: criteria provided, single submitter. Criteria: Invitae Variant Classification Sherloc (09022015). Collection method: clinical testing. Allele origin: germline.
Comment: In summary, the available evidence is currently insufficient to determine the role of this variant in disease. Therefore, it has been classified as a Variant of Uncertain Significance. Algorithms developed to predict the effect of missense changes on protein structure and function output the following: SIFT: "Tolerated"; PolyPhen-2: "Benign"; Align-GVGD: "Class C0". The isoleucine amino acid residue is found in multiple mammalian species, which suggests that this missense change does not adversely affect protein function. This variant has not been reported in the literature in individuals affected with MEFV-related conditions. This variant is present in population databases (no rsID available, gnomAD 0.003%). This sequence change replaces threonine, which is neutral and polar, with isoleucine, which is neutral and non-polar, at codon 303 of the MEFV protein (p.Thr303Ile).